The following is an entry in ClinVar:

NM_000257.4(MYH7):c.1033G>A (p.Glu345Lys)

Gene: MYH7 (myosin heavy chain 7; minus strand). Cytogenetic location: 14q11.2.
Variant type: single nucleotide variant.
Coding change: c.1033G>A on transcript NM_000257.4 (MANE Select); coding-DNA position 1033, G replaced by A.
Protein change: p.Glu345Lys; replaces glutamic acid 345 with lysine.
Molecular consequence: missense variant.
Genome position (GRCh38, 1-based): chr14:23,429,880, C>T on the plus strand (G>A on the coding strand, the complement: MYH7 is on the minus strand). VCF-style: chr14-23429880-C-T. GRCh37 (hg19) VCF-style: chr14-23899089-C-T.
Other names: c.1033G>A, p.Glu345Lys (NM_001407004.1); short protein forms E345K.
Identifiers: ClinVar variation 2162439 (VCV002162439.5), dbSNP rs746879008, ClinGen allele CA027456.

ClinVar aggregate classification (germline): Uncertain significance. Review status: criteria provided, multiple submitters, no conflicts (2 of 4 stars). 3 submissions from 3 submitters: Uncertain significance (3). Last evaluated 2024-10-30.

Conditions:
Hypertrophic cardiomyopathy. Also called: HYPERTROPHIC MYOCARDIOPATHY. Identifiers: Orphanet 217569, MedGen C0007194, MeSH D002312, MONDO:0005045, HP:0001639.
Cardiomyopathy (CMYO). Also called: Cardiomyopathies. Identifiers: Orphanet 167848, MedGen C0878544, MONDO:0004994, HP:0001638. Inheritance: Various modes of inheritance.

Allele frequency attached by ClinVar (database versions not stated): ExAC 0.00001; gnomAD exomes 0.00001.
gnomAD v4.1: 3 of 1,614,092 alleles (0.00019%); highest among the groups gnomAD compares: Admixed American, 0.0033%; no homozygotes.

Submissions (3):

Labcorp Genetics (formerly Invitae), Labcorp
Classification: Uncertain significance for Hypertrophic cardiomyopathy. Last evaluated: 2024-10-30. Review status: criteria provided, single submitter. Criteria: Invitae Variant Classification Sherloc (09022015). Collection method: clinical testing. Allele origin: germline.
Comment: This sequence change replaces glutamic acid, which is acidic and polar, with lysine, which is basic and polar, at codon 345 of the MYH7 protein (p.Glu345Lys). This variant is present in population databases (rs746879008, gnomAD 0.006%). This variant has not been reported in the literature in individuals affected with MYH7-related conditions. ClinVar contains an entry for this variant (Variation ID: 2162439). Invitae Evidence Modeling of protein sequence and biophysical properties (such as structural, functional, and spatial information, amino acid conservation, physicochemical variation, residue mobility, and thermodynamic stability) indicates that this missense variant is expected to disrupt MYH7 protein function with a positive predictive value of 95%. In summary, the available evidence is currently insufficient to determine the role of this variant in disease. Therefore, it has been classified as a Variant of Uncertain Significance.

All of Us Research Program, National Institutes of Health
Classification: Uncertain significance for Cardiomyopathy. Last evaluated: 2023-10-23. Review status: criteria provided, single submitter. Criteria: ACMG Guidelines, 2015. Collection method: clinical testing. Allele origin: germline. Inheritance: Autosomal dominant inheritance. Observed: 1 variant allele, 1 heterozygote.
Comment: This missense variant replaces glutamic acid with lysine at codon 345 of the MYH7 protein. Computational prediction suggests that this variant may have deleterious impact on protein structure and function (internally defined REVEL score threshold >= 0.7, PMID: 27666373). To our knowledge, functional studies have not been reported for this variant. This variant has not been reported in individuals affected with MYH7-related disorders in the literature. This variant has been identified in 2/251472 chromosomes in the general population by the Genome Aggregation Database (gnomAD). The available evidence is insufficient to determine the role of this variant in disease conclusively. Therefore, this variant is classified as a Variant of Uncertain Significance.

This study involves interpretation of variants in research participants for the purpose of population health screening. Participant phenotype was not available at the time of variant classification. Additional details can be found in publication PMID: 35346344, PMCID: PMC8962531

Color Diagnostics, LLC DBA Color Health
Classification: Uncertain significance for Cardiomyopathy. Last evaluated: 2023-10-05. Review status: criteria provided, single submitter. Criteria: ACMG Guidelines, 2015. Collection method: clinical testing. Allele origin: germline.
Comment: This missense variant replaces glutamic acid with lysine at codon 345 of the MYH7 protein. Computational prediction suggests that this variant may have deleterious impact on protein structure and function. To our knowledge, functional studies have not been reported for this variant. This variant has not been reported in individuals affected with MYH7-related disorders in the literature. This variant has been identified in 2/251472 chromosomes in the general population by the Genome Aggregation Database (gnomAD). The available evidence is insufficient to determine the role of this variant in disease conclusively. Therefore, this variant is classified as a Variant of Uncertain Significance.